The following is an entry in ClinVar:

NM_002382.5(MAX):c.64-20_64-19delinsAT

Genes: MAX (MYC associated transcriptional regulator X; minus strand), MAX-AS1 (MAX antisense RNA 1; plus strand). Cytogenetic location: 14q23.3.
Variant type: Indel.
Coding change: c.64-20_64-19delinsAT on transcript NM_002382.5 (MANE Select); 20 bases into the intron before coding-DNA position 64 through 19 bases into the intron before coding-DNA position 64, TC replaced by AT.
Molecular consequence: intron variant. On other transcripts: non-coding transcript variant (1).
Genome position (GRCh38, 1-based): chr14:65,093,834-65,093,835, GA replaced by AT on the plus strand (TC replaced by AT on the coding strand, the reverse complement: MAX is on the minus strand). VCF-style: chr14-65093834-GA-AT. GRCh37 (hg19) VCF-style: chr14-65560552-GA-AT.
Other names: c.37-20_37-19delinsAT (NM_001271069.2, NM_001407095.1, NM_001407110.1 and 9 more transcripts); c.64-20_64-19delinsAT (NM_197957.4, NM_001407094.1, NM_001407104.1 and 5 more transcripts); c.-304-20_-304-19delinsAT (NM_001407112.1, NM_001407111.1); c.-211-20_-211-19delinsAT (NM_001407106.1, NM_001407107.1, NM_001320415.2 and 1 more transcripts); c.63+7711_63+7712delinsAT (NM_001407098.1); c.87-20_87-19delinsAT (NM_001407114.1).
Identifiers: ClinVar variation 3669307 (VCV003669307.2).

ClinVar aggregate classification (germline): Uncertain significance (1 of 4 stars; one submission).

Conditions:
Hereditary pheochromocytoma and paraganglioma. Also called: Hereditary paragangliomas and pheochromocytomas; Hereditary Paraganglioma-Pheochromocytoma Syndromes; Hereditary pheochromocytoma-paraganglioma. Identifiers: Orphanet 29072, MedGen C4274332, MONDO:0017366.

Submission:

Labcorp Genetics (formerly Invitae), Labcorp
Classification: Uncertain significance for Hereditary pheochromocytoma and paraganglioma. Last evaluated: 2024-02-11. Review status: criteria provided, single submitter. Criteria: Invitae Variant Classification Sherloc (09022015). Collection method: clinical testing. Allele origin: germline.
Comment: This sequence change falls in intron 2 of the MAX gene. It does not directly change the encoded amino acid sequence of the MAX protein. Information on the frequency of this variant in the gnomAD database is not available, as this variant may be reported differently in the database. This variant has not been reported in the literature in individuals affected with MAX-related conditions. Experimental studies and prediction algorithms are not available or were not evaluated, and the effect of this variant on mRNA splicing is currently unknown. In summary, the available evidence is currently insufficient to determine the role of this variant in disease. Therefore, it has been classified as a Variant of Uncertain Significance.